The following is an entry in ClinVar:

ClinVar aggregate classification (germline): Uncertain significance (1 of 4 stars; one submission).

gnomAD v4.1: 2 of 1,603,810 alleles (0.00012%); highest among the groups gnomAD compares: Non-Finnish European, 0.00017%; no homozygotes.

Submission:

Labcorp Genetics (formerly Invitae), Labcorp
Classification: Uncertain significance. Last evaluated: 2025-08-20. Review status: criteria provided, single submitter. Criteria: Invitae Variant Classification Sherloc (09022015). Collection method: clinical testing. Allele origin: germline.
Comment: This sequence change replaces alanine, which is neutral and non-polar, with threonine, which is neutral and polar, at codon 87 of the NAF1 protein (p.Ala87Thr). This variant is not present in population databases (gnomAD no frequency). This variant has not been reported in the literature in individuals affected with NAF1-related conditions. An algorithm developed to predict the effect of missense changes on protein structure and function outputs the following: PolyPhen-2: "Benign". The threonine amino acid residue is found in multiple mammalian species, which suggests that this missense change does not adversely affect protein function. In summary, the available evidence is currently insufficient to determine the role of this variant in disease. Therefore, it has been classified as a Variant of Uncertain Significance.

NM_138386.3(NAF1):c.259G>A (p.Ala87Thr)

Gene: NAF1 (nuclear assembly factor 1 ribonucleoprotein; minus strand). Cytogenetic location: 4q32.2.
Variant type: single nucleotide variant.
Coding change: c.259G>A on transcript NM_138386.3 (MANE Select); coding-DNA position 259, G replaced by A.
Protein change: p.Ala87Thr; replaces alanine 87 with threonine.
Molecular consequence: missense variant.
Genome position (GRCh38, 1-based): chr4:163,166,469, C>T on the plus strand (G>A on the coding strand, the complement: NAF1 is on the minus strand). VCF-style: chr4-163166469-C-T. GRCh37 (hg19) VCF-style: chr4-164087621-C-T.
Other names: c.259G>A, p.Ala87Thr (NM_001128931.2); short protein forms A87T.
Identifiers: ClinVar variation 4759652 (VCV004759652.1).
Genomic context (GRCh38, chr4:163,166,469, plus strand): 5'-CCCGCGCAGGCTCTGCGGCTCCTGGGGAGGTGACGCAGTCTCCGCAGGCCGGCGATTCAG[C>T]CGGTGGCTGTGGCTGCGGCGCCGGGGTCCCGGCCGCGACGGCGTTCAGAACGGGCTGCAG-3'
Protein context (NP_612395.2, residues 77-97): GTPAPQPQPP[Ala87Thr]ESPACGDCVT